The following is an entry in ClinVar:

NM_058179.4(PSAT1):c.838G>T (p.Glu280Ter)

Gene: PSAT1 (phosphoserine aminotransferase 1; plus strand). Cytogenetic location: 9q21.2.
Variant type: single nucleotide variant.
Coding change: c.838G>T on transcript NM_058179.4 (MANE Select); coding-DNA position 838, G replaced by T.
Protein change: p.Glu280Ter; replaces glutamic acid 280 with a stop codon.
Molecular consequence: nonsense.
Genome position (GRCh38, 1-based): chr9:78,317,773, G>T. VCF-style: chr9-78317773-G-T. GRCh37 (hg19) VCF-style: chr9-80932689-G-T.
Other names: c.838G>T, p.Glu280Ter (NM_021154.5); short protein forms E280*.
Identifiers: ClinVar variation 1455064 (VCV001455064.7), dbSNP rs2118681775, ClinGen allele CA373857414.

ClinVar aggregate classification (germline): Pathogenic/Likely pathogenic. Review status: criteria provided, multiple submitters, no conflicts (2 of 4 stars). 2 submissions from 2 submitters: Pathogenic (1); Likely pathogenic (1). Last evaluated 2023-06-02.

Conditions:
PSAT1-related disorder. Also called: PSAT1-related disorders; PSAT1-related condition.
Neu-Laxova syndrome 2. Identifiers: Orphanet 2671, Orphanet 583602, MedGen C4015019, MONDO:0014466, OMIM 616038.

Allele frequency attached by ClinVar (database versions not stated): gnomAD exomes 0.00001.
gnomAD v4.1: 19 of 1,613,312 alleles (0.0012%); highest among the groups gnomAD compares: Non-Finnish European, 0.0014%; no homozygotes.

Submissions (2):

Labcorp Genetics (formerly Invitae), Labcorp
Classification: Pathogenic for Neu-Laxova syndrome 2. Last evaluated: 2023-06-02. Review status: criteria provided, single submitter. Criteria: Invitae Variant Classification Sherloc (09022015). Collection method: clinical testing. Allele origin: germline.
Comment: ClinVar contains an entry for this variant (Variation ID: 1455064). Algorithms developed to predict the effect of sequence changes on RNA splicing suggest that this variant may disrupt the consensus splice site. For these reasons, this variant has been classified as Pathogenic. This variant has not been reported in the literature in individuals affected with PSAT1-related conditions. This sequence change creates a premature translational stop signal (p.Glu280*) in the PSAT1 gene. It is expected to result in an absent or disrupted protein product. Loss-of-function variants in PSAT1 are known to be pathogenic (PMID: 17436247, 25152457). This variant is not present in population databases (gnomAD no frequency).

Blueprint Genetics
Classification: Likely pathogenic for PSAT1-related disorders. Last evaluated: 2021-11-02. Review status: criteria provided, single submitter. Criteria: ACMG Guidelines, 2015. Collection method: clinical testing. Allele origin: germline. Affected: yes. Observed: 1 variant allele.

Literature cited by the submitters: PubMed 17436247 (cited by Labcorp Genetics (formerly Invitae), Labcorp); PubMed 25152457 (cited by Labcorp Genetics (formerly Invitae), Labcorp).